The following is an entry in ClinVar:

NM_006031.6(PCNT):c.4585-2A>G

Gene: PCNT (pericentrin; plus strand). Cytogenetic location: 21q22.3.
Variant type: single nucleotide variant.
Coding change: c.4585-2A>G on transcript NM_006031.6 (MANE Select); the canonical splice acceptor site of the intron before coding-DNA position 4585, A replaced by G.
Molecular consequence: splice acceptor variant.
Genome position (GRCh38, 1-based): chr21:46,399,588, A>G. VCF-style: chr21-46399588-A-G. GRCh37 (hg19) VCF-style: chr21-47819502-A-G.
Other names: c.4231-2A>G (NM_001315529.2).
Identifiers: ClinVar variation 2728106 (VCV002728106.3), dbSNP rs759958419, ClinGen allele CA410579735.

ClinVar aggregate classification (germline): Likely pathogenic (1 of 4 stars; one submission).

Submission:

Labcorp Genetics (formerly Invitae), Labcorp
Classification: Likely pathogenic. Last evaluated: 2023-11-13. Review status: criteria provided, single submitter. Criteria: Invitae Variant Classification Sherloc (09022015). Collection method: clinical testing. Allele origin: germline.
Comment: This sequence change affects an acceptor splice site in intron 24 of the PCNT gene. It is expected to disrupt RNA splicing. Variants that disrupt the donor or acceptor splice site typically lead to a loss of protein function (PMID: 16199547), and loss-of-function variants in PCNT are known to be pathogenic (PMID: 18174396, 22821869). This variant is not present in population databases (gnomAD no frequency). This variant has not been reported in the literature in individuals affected with PCNT-related conditions. Algorithms developed to predict the effect of sequence changes on RNA splicing suggest that this variant may disrupt the consensus splice site. In summary, the currently available evidence indicates that the variant is pathogenic, but additional data are needed to prove that conclusively. Therefore, this variant has been classified as Likely Pathogenic.

Literature cited by the submitters: PubMed 16199547; PubMed 18174396; PubMed 22821869.